The following is an entry in ClinVar:

ClinVar aggregate classification (germline): Uncertain significance. Review status: criteria provided, multiple submitters, no conflicts (2 of 4 stars). 2 submissions from 2 submitters: Uncertain significance (2). Last evaluated 2022-11-20.

Conditions:
Dyskeratosis congenita, autosomal dominant 2. Identifiers: MedGen C3151443, MONDO:0013521, OMIM 613989.
Idiopathic Pulmonary Fibrosis. Also called: Idiopathic fibrosing alveolitis, chronic form; idiopathic fibrosing alveolitis. Identifiers: Orphanet 2032, MedGen C1800706, MeSH D054990, MONDO:0800504.
Dyskeratosis congenita. Identifiers: Orphanet 1775, MedGen C0265965, MONDO:0015780.

Submissions (2):

Ambry Genetics
Classification: Uncertain significance for Dyskeratosis congenita. Last evaluated: 2022-11-20. Review status: criteria provided, single submitter. Criteria: Ambry Variant Classification Scheme 2023. Collection method: clinical testing. Allele origin: germline.
Comment: The p.S457G variant (also known as c.1369A>G), located in coding exon 2 of the TERT gene, results from an A to G substitution at nucleotide position 1369. The serine at codon 457 is replaced by glycine, an amino acid with similar properties. This amino acid position is conserved. In addition, the in silico prediction for this alteration is inconclusive. Since supporting evidence is limited at this time, the clinical significance of this alteration remains unclear.

Labcorp Genetics (formerly Invitae), Labcorp
Classification: Uncertain significance for Dyskeratosis congenita, autosomal dominant 2; Idiopathic Pulmonary Fibrosis. Last evaluated: 2022-08-18. Review status: criteria provided, single submitter. Criteria: Invitae Variant Classification Sherloc (09022015). Collection method: clinical testing. Allele origin: germline.
Comment: Advanced modeling of protein sequence and biophysical properties (such as structural, functional, and spatial information, amino acid conservation, physicochemical variation, residue mobility, and thermodynamic stability) performed at Invitae indicates that this missense variant is expected to disrupt TERT protein function. In summary, the available evidence is currently insufficient to determine the role of this variant in disease. Therefore, it has been classified as a Variant of Uncertain Significance. This variant has not been reported in the literature in individuals affected with TERT-related conditions. This variant is not present in population databases (gnomAD no frequency). This sequence change replaces serine, which is neutral and polar, with glycine, which is neutral and non-polar, at codon 457 of the TERT protein (p.Ser457Gly).

NM_198253.3(TERT):c.1369A>G (p.Ser457Gly)

Gene: TERT (telomerase reverse transcriptase; minus strand). Cytogenetic location: 5p15.33.
Variant type: single nucleotide variant.
Coding change: c.1369A>G on transcript NM_198253.3 (MANE Select); coding-DNA position 1369, A replaced by G.
Protein change: p.Ser457Gly; replaces serine 457 with glycine.
Molecular consequence: missense variant. On other transcripts: non-coding transcript variant (2).
Genome position (GRCh38, 1-based): chr5:1,293,517, T>C on the plus strand (A>G on the coding strand, the complement: TERT is on the minus strand). VCF-style: chr5-1293517-T-C. GRCh37 (hg19) VCF-style: chr5-1293632-T-C.
Other names: c.1369A>G, p.Ser457Gly (NM_001193376.3, NM_003219.1); short protein forms S457G.
Identifiers: ClinVar variation 1961201 (VCV001961201.7), dbSNP rs2478410739, ClinGen allele CA359085978.